The following is an entry in ClinVar:

NM_014704.4(CEP104):c.290A>G (p.Tyr97Cys)

Gene: CEP104 (centrosomal protein 104; minus strand). Cytogenetic location: 1p36.32.
Variant type: single nucleotide variant.
Coding change: c.290A>G on transcript NM_014704.4 (MANE Select); coding-DNA position 290, A replaced by G.
Protein change: p.Tyr97Cys; replaces tyrosine 97 with cysteine.
Molecular consequence: missense variant.
Genome position (GRCh38, 1-based): chr1:3,847,611, T>C on the plus strand (A>G on the coding strand, the complement: CEP104 is on the minus strand). VCF-style: chr1-3847611-T-C. GRCh37 (hg19) VCF-style: chr1-3764175-T-C.
Other names: short protein forms Y97C.
Identifiers: ClinVar variation 2826575 (VCV002826575.3), dbSNP rs372683565, ClinGen allele CA17093689.

ClinVar aggregate classification (germline): Uncertain significance (1 of 4 stars; one submission).

Conditions:
Joubert syndrome 25 (JBTS25). Identifiers: Orphanet 475, MedGen C4084842, MONDO:0014770, OMIM 616781.

Allele frequency attached by ClinVar (database versions not stated): gnomAD exomes below 0.00001; TOPMed below 0.00001; gnomAD 0.00001; ESP Exome Variant Server 0.00008.
gnomAD v4.1: 2 of 1,613,946 alleles (0.00012%); highest among the groups gnomAD compares: African/African-American, 0.0013%; no homozygotes.

Submission:

Labcorp Genetics (formerly Invitae), Labcorp
Classification: Uncertain significance for Joubert syndrome 25. Last evaluated: 2024-02-05. Review status: criteria provided, single submitter. Criteria: Invitae Variant Classification Sherloc (09022015). Collection method: clinical testing. Allele origin: germline.
Comment: This sequence change replaces tyrosine, which is neutral and polar, with cysteine, which is neutral and slightly polar, at codon 97 of the CEP104 protein (p.Tyr97Cys). This variant is present in population databases (rs372683565, gnomAD 0.0009%). This variant has not been reported in the literature in individuals affected with CEP104-related conditions. An algorithm developed to predict the effect of missense changes on protein structure and function (PolyPhen-2) suggests that this variant is likely to be disruptive. In summary, the available evidence is currently insufficient to determine the role of this variant in disease. Therefore, it has been classified as a Variant of Uncertain Significance.